The following is an entry in ClinVar:

NM_000548.5(TSC2):c.4795G>C (p.Val1599Leu)

Gene: TSC2 (TSC complex subunit 2; plus strand). Cytogenetic location: 16p13.3.
Variant type: single nucleotide variant.
Coding change: c.4795G>C on transcript NM_000548.5 (MANE Select); coding-DNA position 4795, G replaced by C.
Protein change: p.Val1599Leu; replaces valine 1599 with leucine.
Molecular consequence: missense variant.
Genome position (GRCh38, 1-based): chr16:2,086,325, G>C. VCF-style: chr16-2086325-G-C. GRCh37 (hg19) VCF-style: chr16-2136326-G-C.
Other names: c.4594G>C, p.Val1532Leu (NM_001077183.3); c.4726G>C, p.Val1576Leu (NM_001114382.3); c.4486G>C, p.Val1496Leu (NM_001318827.2); c.4450G>C, p.Val1484Leu (NM_001318829.2); c.4063G>C, p.Val1355Leu (NM_001318831.2); c.4627G>C, p.Val1543Leu (NM_001318832.2); c.4597G>C, p.Val1533Leu (NM_001363528.2); c.4663G>C, p.Val1555Leu (NM_001370404.1); and 1 more; short protein forms V1543L, V1484L, V1496L, V1533L, V1555L, V1576L, V1599L, V1532L.
Identifiers: ClinVar variation 825177 (VCV000825177.17), dbSNP rs772687631, ClinGen allele CA394308011.
Genomic context (GRCh38, chr16:2,086,325, plus strand): 5'-GGCCGGCTCATCGAGCTGAAGGACTGCCAGCCGGACAAGGTGTACCTGGGAGGCCTGGAC[G>C]TGTGTGGTGAGGACGGCCAGTTCACCTACTGCTGGCACGATGACATCATGCAAGGTACGG-3'
Protein context (NP_000539.2, residues 1589-1609): PDKVYLGGLD[Val1599Leu]CGEDGQFTYC

ClinVar aggregate classification (germline): Conflicting classifications of pathogenicity. Review status: criteria provided, conflicting classifications (1 of 4 stars). 6 submissions from 6 submitters: Uncertain significance (5); Benign (1). Last evaluated 2026-03-10.

Conditions:
Isolated focal cortical dysplasia type II (FCORD2). Also called: CORTICAL DYSPLASIA OF TAYLOR; Focal cortical dysplasia type II. Identifiers: Orphanet 268994, MedGen C1846385, MONDO:0011818, OMIM 607341, HP:0032051.
Tuberous sclerosis 2 (TSC2). Identifiers: Orphanet 805, MedGen C1860707, MONDO:0013199, OMIM 613254.
Hereditary cancer-predisposing syndrome. Also called: Hereditary Cancer Syndrome; Tumor predisposition; Neoplastic Syndromes, Hereditary; Hereditary neoplastic syndrome. Identifiers: Orphanet 140162, MedGen C0027672, MeSH D009386, MONDO:0015356.

gnomAD v4.1: 1 of 1,612,960 alleles (0.000062%); highest among the groups gnomAD compares: Admixed American, 0.0017%; no homozygotes.

Submissions (6):

Ambry Genetics
Classification: Uncertain significance for Hereditary cancer-predisposing syndrome. Last evaluated: 2026-03-10. Review status: criteria provided, single submitter. Criteria: Ambry Variant Classification Scheme 2023. Collection method: clinical testing. Allele origin: germline.
Comment: The p.V1599L variant (also known as c.4795G>C), located in coding exon 36 of the TSC2 gene, results from a G to C substitution at nucleotide position 4795. The valine at codon 1599 is replaced by leucine, an amino acid with highly similar properties. This amino acid position is not well conserved in available vertebrate species. In addition, this alteration is predicted to be deleterious by in silico analysis. Based on the available evidence, the clinical significance of this variant remains unclear.

Labcorp Genetics (formerly Invitae), Labcorp
Classification: Benign for Tuberous sclerosis 2. Last evaluated: 2026-01-15. Review status: criteria provided, single submitter. Criteria: Invitae Variant Classification Sherloc (09022015). Collection method: clinical testing. Allele origin: germline.

Quest Diagnostics Nichols Institute San Juan Capistrano
Classification: Uncertain significance. Last evaluated: 2024-09-13. Review status: criteria provided, single submitter. Criteria: Quest Diagnostics criteria. Collection method: clinical testing. Allele origin: unknown.
Comment: The TSC2 c.4795G>C (p.Val1599Leu) variant has not been reported in individuals with TSC2-related conditions in the published literature. It also has not been reported in large, multi-ethnic general populations (Genome Aggregation Database). Analysis of this variant using bioinformatics tools for the prediction of the effect of amino acid changes on protein structure and function yielded conflicting predictions that this variant is benign or damaging. Based on the available information, we are unable to determine the clinical significance of this variant.

Baylor Genetics
Classification: Uncertain significance for Isolated focal cortical dysplasia type II. Last evaluated: 2023-11-21. Review status: criteria provided, single submitter. Criteria: ACMG Guidelines, 2015. Collection method: clinical testing. Allele origin: unknown.

GeneDx
Classification: Uncertain significance. Last evaluated: 2022-07-21. Review status: criteria provided, single submitter. Criteria: GeneDx Variant Classification Process June 2021. Collection method: clinical testing. Allele origin: germline. Affected: yes.
Comment: Not observed at significant frequency in large population cohorts (gnomAD); In silico analysis supports that this missense variant does not alter protein structure/function; Has not been previously published as pathogenic or benign to our knowledge; This variant is associated with the following publications: (PMID: 18466115)

Genome-Nilou Lab
Classification: Uncertain significance for Tuberous sclerosis 2. Last evaluated: 2021-11-07. Review status: criteria provided, single submitter. Criteria: ACMG Guidelines, 2015. Collection method: clinical testing. Allele origin: germline. Affected: no.